The following is an entry in ClinVar:

ClinVar aggregate classification (germline): Uncertain significance. Review status: criteria provided, multiple submitters, no conflicts (2 of 4 stars). 2 submissions from 2 submitters: Uncertain significance (2). Last evaluated 2025-12-11.

Allele frequency attached by ClinVar (database versions not stated): ExAC 0.00002; gnomAD exomes 0.00002; gnomAD 0.00010; TOPMed 0.00014; 1000 Genomes Project 30x 0.00016; 1000 Genomes Project 0.00020.
gnomAD v4.1: 47 of 1,614,124 alleles (0.0029%); highest among the groups gnomAD compares: Admixed American, 0.045%; no homozygotes.

Submissions (2):

Ambry Genetics
Classification: Uncertain significance. Last evaluated: 2025-12-11. Review status: criteria provided, single submitter. Criteria: Ambry Variant Classification Scheme 2023. Collection method: clinical testing. Allele origin: germline.

Labcorp Genetics (formerly Invitae), Labcorp
Classification: Uncertain significance. Last evaluated: 2025-02-24. Review status: criteria provided, single submitter. Criteria: Invitae Variant Classification Sherloc (09022015). Collection method: clinical testing. Allele origin: germline.
Comment: This sequence change replaces glycine, which is neutral and non-polar, with tryptophan, which is neutral and slightly polar, at codon 4042 of the FAT2 protein (p.Gly4042Trp). This variant is present in population databases (rs528067490, gnomAD 0.04%). This variant has not been reported in the literature in individuals affected with FAT2-related conditions. ClinVar contains an entry for this variant (Variation ID: 2067625). An algorithm developed to predict the effect of missense changes on protein structure and function outputs the following: PolyPhen-2: "Possibly Damaging". The tryptophan amino acid residue is found in multiple mammalian species, which suggests that this missense change does not adversely affect protein function. In summary, the available evidence is currently insufficient to determine the role of this variant in disease. Therefore, it has been classified as a Variant of Uncertain Significance.

NM_001447.3(FAT2):c.12124G>T (p.Gly4042Trp)

Genes: SLC36A1 (solute carrier family 36 member 1; plus strand), FAT2 (FAT atypical cadherin 2; minus strand). Cytogenetic location: 5q33.1.
Variant type: single nucleotide variant.
Coding change: c.12124G>T on transcript NM_001447.3 (MANE Select); coding-DNA position 12124, G replaced by T.
Protein change: p.Gly4042Trp; replaces glycine 4042 with tryptophan.
Molecular consequence: missense variant.
Genome position (GRCh38, 1-based): chr5:151,507,547, C>A on the plus strand (G>T on the coding strand, the complement: FAT2 is on the minus strand). VCF-style: chr5-151507547-C-A. GRCh37 (hg19) VCF-style: chr5-150887108-C-A.
Other names: c.12124G>T (NM_001447.2); short protein forms G4042W.
Identifiers: ClinVar variation 2067625 (VCV002067625.6), dbSNP rs528067490, ClinGen allele CA3519841.